The following is an entry in ClinVar:

NM_000135.4(FANCA):c.2119A>G (p.Asn707Asp)

Gene: FANCA (FA complementation group A; minus strand). Cytogenetic location: 16q24.3.
Variant type: single nucleotide variant.
Coding change: c.2119A>G on transcript NM_000135.4 (MANE Select); coding-DNA position 2119, A replaced by G.
Protein change: p.Asn707Asp; replaces asparagine 707 with aspartic acid.
Molecular consequence: missense variant.
Genome position (GRCh38, 1-based): chr16:89,771,710, T>C on the plus strand (A>G on the coding strand, the complement: FANCA is on the minus strand). VCF-style: chr16-89771710-T-C. GRCh37 (hg19) VCF-style: chr16-89838118-T-C.
Other names: c.2119A>G, p.Asn707Asp (NM_001286167.3); short protein forms N707D.
Identifiers: ClinVar variation 1704410 (VCV001704410.7), dbSNP rs1349300770, ClinGen allele CA397448116.

ClinVar aggregate classification (germline): Uncertain significance. Review status: criteria provided, multiple submitters, no conflicts (2 of 4 stars). 5 submissions from 5 submitters: Uncertain significance (5). Last evaluated 2025-09-14.

Conditions:
Fanconi anemia (FA). Also called: Fanconi's anemia. Identifiers: Orphanet 84, MedGen C0015625, MeSH D005199, MONDO:0019391.
Inborn genetic diseases. Identifiers: MedGen C0950123, MeSH D030342.
Fanconi anemia complementation group A (FANCA). Also called: FANCA-Related Fanconi Anemia; Fanconi anemia, group A. Identifiers: Orphanet 84, MedGen C3469521, MONDO:0009215, OMIM 227650.

Allele frequency attached by ClinVar (database versions not stated): gnomAD 0.00001; TOPMed 0.00002.
gnomAD v4.1: 9 of 1,614,080 alleles (0.00056%); highest among the groups gnomAD compares: Non-Finnish European, 0.00076%; no homozygotes.

Submissions (5):

Labcorp Genetics (formerly Invitae), Labcorp
Classification: Uncertain significance for Fanconi anemia. Last evaluated: 2025-09-14. Review status: criteria provided, single submitter. Criteria: Invitae Variant Classification Sherloc (09022015). Collection method: clinical testing. Allele origin: germline.
Comment: This sequence change replaces asparagine, which is neutral and polar, with aspartic acid, which is acidic and polar, at codon 707 of the FANCA protein (p.Asn707Asp). This variant is not present in population databases (gnomAD no frequency). This variant has not been reported in the literature in individuals affected with FANCA-related conditions. ClinVar contains an entry for this variant (Variation ID: 1704410). Invitae Evidence Modeling of protein sequence and biophysical properties (such as structural, functional, and spatial information, amino acid conservation, physicochemical variation, residue mobility, and thermodynamic stability) indicates that this missense variant is not expected to disrupt FANCA protein function with a negative predictive value of 95%. In summary, the available evidence is currently insufficient to determine the role of this variant in disease. Therefore, it has been classified as a Variant of Uncertain Significance.

Ambry Genetics
Classification: Uncertain significance for Inborn genetic diseases. Last evaluated: 2025-03-10. Review status: criteria provided, single submitter. Criteria: Ambry Variant Classification Scheme 2023. Collection method: clinical testing. Allele origin: germline.
Comment: The p.N707D variant (also known as c.2119A>G), located in coding exon 23 of the FANCA gene, results from an A to G substitution at nucleotide position 2119. The asparagine at codon 707 is replaced by aspartic acid, an amino acid with highly similar properties. This amino acid position is conserved. In addition, this alteration is predicted to be tolerated by in silico analysis. Based on the available evidence, the clinical significance of this variant remains unclear.

St. Jude Molecular Pathology, St. Jude Children's Research Hospital
Classification: Uncertain significance for Fanconi anemia complementation group A. Last evaluated: 2023-06-15. Review status: criteria provided, single submitter. Criteria: St. Jude Assertion Criteria 2020. Collection method: clinical testing. Allele origin: germline.
Comment: The FANCA c.2119A>G (p.Asn707Asp) missense change is absent in gnomAD v2.1.1. The in silico tool REVEL predicts a benign effect on protein function, but to our knowledge this prediction has not been confirmed by functional studies. To our knowledge, this variant has not been reported in individuals with Fanconi anemia. In summary, the evidence currently available is insufficient to determine the clinical significance of this variant. It has therefore been classified as of uncertain significance.

Johns Hopkins Genomics, Johns Hopkins University
Classification: Uncertain significance for Fanconi anemia complementation group A. Last evaluated: 2022-04-29. Review status: criteria provided, single submitter. Criteria: ACMG Guidelines, 2015. Collection method: clinical testing. Allele origin: germline.
Comment: This FANCA missense variant is absent from a large population dataset, and has not been reported in ClinVar nor the literature, to our knowledge. Three bioinformatic tools queried predict that this substitution would be tolerated, and the asparagine residue at this position is not evolutionarily well conserved across most species assessed. We consider the clinical significance of c.2119A>G to be uncertain at this time.

Blueprint Genetics
Classification: Uncertain significance. Last evaluated: 2020-09-29. Review status: criteria provided, single submitter. Criteria: ACMG Guidelines, 2015. Collection method: clinical testing. Allele origin: germline.